The following is an entry in ClinVar:

ClinVar aggregate classification (germline): Uncertain significance. Review status: criteria provided, single submitter (1 of 4 stars). 2 submissions from 2 submitters: Uncertain significance (1). 1 of the submissions does not count toward it. Last evaluated 2025-04-28.

Conditions:
Fanconi anemia (FA). Also called: Fanconi's anemia. Identifiers: Orphanet 84, MedGen C0015625, MeSH D005199, MONDO:0019391.

Allele frequency attached by ClinVar (database versions not stated): TOPMed 0.00002.
gnomAD v4.1: 1 of 1,614,156 alleles (0.000062%); highest among the groups gnomAD compares: East Asian, 0.0022%; no homozygotes.

Submissions (2):

Labcorp Genetics (formerly Invitae), Labcorp
Classification: Uncertain significance for Fanconi anemia. Last evaluated: 2025-04-28. Review status: criteria provided, single submitter. Criteria: Invitae Variant Classification Sherloc (09022015). Collection method: clinical testing. Allele origin: germline.
Comment: This sequence change replaces serine, which is neutral and polar, with cysteine, which is neutral and slightly polar, at codon 290 of the FANCA protein (p.Ser290Cys). This variant is present in population databases (rs185984960, gnomAD 0.02%). This variant has not been reported in the literature in individuals affected with FANCA-related conditions. ClinVar contains an entry for this variant (Variation ID: 1027052). Invitae Evidence Modeling of protein sequence and biophysical properties (such as structural, functional, and spatial information, amino acid conservation, physicochemical variation, residue mobility, and thermodynamic stability) indicates that this missense variant is not expected to disrupt FANCA protein function with a negative predictive value of 95%. In summary, the available evidence is currently insufficient to determine the role of this variant in disease. Therefore, it has been classified as a Variant of Uncertain Significance.

Natera, Inc.
Classification: Uncertain significance for Fanconi anemia. Last evaluated: 2020-09-16. Review status: no assertion criteria provided. Collection method: clinical testing. Allele origin: germline. Not counted in ClinVar's aggregate classification.

NM_000135.4(FANCA):c.869C>G (p.Ser290Cys)

Gene: FANCA (FA complementation group A; minus strand). Cytogenetic location: 16q24.3.
Variant type: single nucleotide variant.
Coding change: c.869C>G on transcript NM_000135.4 (MANE Select); coding-DNA position 869, C replaced by G.
Protein change: p.Ser290Cys; replaces serine 290 with cysteine.
Molecular consequence: missense variant.
Genome position (GRCh38, 1-based): chr16:89,799,190, G>C on the plus strand (C>G on the coding strand, the complement: FANCA is on the minus strand). VCF-style: chr16-89799190-G-C. GRCh37 (hg19) VCF-style: chr16-89865598-G-C.
Other names: c.869C>G, p.Ser290Cys (NM_001018112.3, NM_001286167.3); c.773C>G, p.Ser258Cys (NM_001351830.2); short protein forms S258C, S290C.
Identifiers: ClinVar variation 1027052 (VCV001027052.11), dbSNP rs185984960, ClinGen allele CA8252716.